The following is an entry in ClinVar:

NM_000252.3(MTM1):c.679G>T (p.Val227Leu)

Gene: MTM1 (myotubularin 1; plus strand). Cytogenetic location: Xq28.
Variant type: single nucleotide variant.
Coding change: c.679G>T on transcript NM_000252.3 (MANE Select); coding-DNA position 679, G replaced by T.
Protein change: p.Val227Leu; replaces valine 227 with leucine.
Molecular consequence: missense variant.
Genome position (GRCh38, 1-based): chrX:150,645,683, G>T. VCF-style: chrX-150645683-G-T. GRCh37 (hg19) VCF-style: chrX-149814156-G-T.
Other names: c.679G>T, p.Val227Leu (NM_001376906.1, NM_001376908.1); c.568G>T, p.Val190Leu (NM_001376907.1); short protein forms V227L, V190L.
Identifiers: ClinVar variation 4747499 (VCV004747499.1).

ClinVar aggregate classification (germline): Uncertain significance (1 of 4 stars; one submission).

Conditions:
Severe X-linked myotubular myopathy (CNMX). Also called: MYOTUBULAR MYOPATHY 1; X-linked centronuclear myopathy; Myotubular myopathy, X-linked. Identifiers: Orphanet 596, MedGen C0410203, MONDO:0010683, OMIM 310400.

Submission:

Labcorp Genetics (formerly Invitae), Labcorp
Classification: Uncertain significance for Severe X-linked myotubular myopathy. Last evaluated: 2025-10-17. Review status: criteria provided, single submitter. Criteria: Invitae Variant Classification Sherloc (09022015). Collection method: clinical testing. Allele origin: germline.
Comment: This sequence change replaces valine, which is neutral and non-polar, with leucine, which is neutral and non-polar, at codon 227 of the MTM1 protein (p.Val227Leu). This variant is not present in population databases (gnomAD no frequency). This variant has not been reported in the literature in individuals affected with MTM1-related conditions. Invitae Evidence Modeling of protein sequence and biophysical properties (such as structural, functional, and spatial information, amino acid conservation, physicochemical variation, residue mobility, and thermodynamic stability) has been performed for this missense variant. However, the output from this modeling did not meet the statistical confidence thresholds required to predict the impact of this variant on MTM1 protein function. Algorithms developed to predict the effect of sequence changes on RNA splicing suggest that this variant may disrupt the consensus splice site. This variant disrupts the p.Val227 amino acid residue in MTM1. Other variant(s) that disrupt this residue have been determined to be pathogenic (PMID: 10790201, 11793470, 17537630, 27363342). This suggests that this residue is clinically significant, and that variants that disrupt this residue are likely to be disease-causing. In summary, the available evidence is currently insufficient to determine the role of this variant in disease. Therefore, it has been classified as a Variant of Uncertain Significance.

Literature cited by the submitters: PubMed 10790201; PubMed 11793470; PubMed 17537630; PubMed 27363342.